The following is an entry in ClinVar:

ClinVar aggregate classification (germline): Uncertain significance (1 of 4 stars; one submission).

Submission:

Labcorp Genetics (formerly Invitae), Labcorp
Classification: Uncertain significance. Last evaluated: 2025-02-20. Review status: criteria provided, single submitter. Criteria: Invitae Variant Classification Sherloc (09022015). Collection method: clinical testing. Allele origin: germline.
Comment: This sequence change replaces lysine, which is basic and polar, with glutamine, which is neutral and polar, at codon 689 of the IMPG1 protein (p.Lys689Gln). This variant is not present in population databases (gnomAD no frequency). This variant has not been reported in the literature in individuals affected with IMPG1-related conditions. An algorithm developed to predict the effect of missense changes on protein structure and function (PolyPhen-2) suggests that this variant is likely to be tolerated. In summary, the available evidence is currently insufficient to determine the role of this variant in disease. Therefore, it has been classified as a Variant of Uncertain Significance.

NM_001563.4(IMPG1):c.2065A>C (p.Lys689Gln)

Gene: IMPG1 (interphotoreceptor matrix proteoglycan 1; minus strand). Cytogenetic location: 6q14.1.
Variant type: single nucleotide variant.
Coding change: c.2065A>C on transcript NM_001563.4 (MANE Select); coding-DNA position 2065, A replaced by C.
Protein change: p.Lys689Gln; replaces lysine 689 with glutamine.
Molecular consequence: missense variant.
Genome position (GRCh38, 1-based): chr6:75,931,131, T>G on the plus strand (A>C on the coding strand, the complement: IMPG1 is on the minus strand). VCF-style: chr6-75931131-T-G. GRCh37 (hg19) VCF-style: chr6-76640848-T-G.
Other names: c.1831A>C, p.Lys611Gln (NM_001282368.2); short protein forms K611Q, K689Q.
Identifiers: ClinVar variation 4713618 (VCV004713618.1).